The following is an entry in ClinVar:

NM_181426.2(CCDC39):c.1045del (p.Thr349fs)

Gene: CCDC39 (coiled-coil domain 39 molecular ruler complex subunit; minus strand). Cytogenetic location: 3q26.33.
Variant type: Deletion.
Coding change: c.1045del on transcript NM_181426.2 (MANE Select); coding-DNA position 1045, one base deleted (A; older notation c.1045delA).
Protein change: p.Thr349fs; shifts the reading frame from threonine 349.
Molecular consequence: frameshift variant.
Genome position (GRCh38, 1-based): chr3:180,651,523, T deleted on the plus strand (A on the coding strand, the reverse complement: CCDC39 is on the minus strand); the first of 6 consecutive T bases (chr3:180,651,523-180,651,528); deleting any one gives the same sequence. VCF-style (leftmost placement, unchanged base first): chr3-180651522-GT-G. GRCh37 (hg19) VCF-style: chr3-180369310-GT-G.
Other names: c.1045del (NM_181426.1); c.1045delA (NM_181426.2); short protein forms T349fs.
Identifiers: ClinVar variation 661055 (VCV000661055.12), dbSNP rs747980515, ClinGen allele CA2716016.

ClinVar aggregate classification (germline): Pathogenic. Review status: criteria provided, multiple submitters, no conflicts (2 of 4 stars). 3 submissions from 3 submitters: Pathogenic (2). 1 of the submissions does not count toward it. Last evaluated 2024-01-17.

Conditions:
Primary ciliary dyskinesia. Also called: Ciliary dyskinesia. Identifiers: Orphanet 244, MedGen C0008780, MONDO:0016575, HP:0012265.
Primary ciliary dyskinesia 14. Also called: CILIARY DYSKINESIA, PRIMARY, 14, WITH OR WITHOUT SITUS INVERSUS. Identifiers: Orphanet 244, MedGen C3151136, MONDO:0013434, OMIM 613807.

Submissions (3):

Labcorp Genetics (formerly Invitae), Labcorp
Classification: Pathogenic for Primary ciliary dyskinesia. Last evaluated: 2024-01-17. Review status: criteria provided, single submitter. Criteria: Invitae Variant Classification Sherloc (09022015). Collection method: clinical testing. Allele origin: germline.
Comment: This sequence change creates a premature translational stop signal (p.Thr349Leufs*7) in the CCDC39 gene. It is expected to result in an absent or disrupted protein product. Loss-of-function variants in CCDC39 are known to be pathogenic (PMID: 21131972, 23255504). The frequency data for this variant in the population databases is considered unreliable, as metrics indicate poor data quality at this position in the gnomAD database. This premature translational stop signal has been observed in individual(s) with primary ciliary dyskinesia (PMID: 30067075; Invitae). ClinVar contains an entry for this variant (Variation ID: 661055). For these reasons, this variant has been classified as Pathogenic.

Fulgent Genetics
Classification: Pathogenic for Primary ciliary dyskinesia 14. Last evaluated: 2022-01-13. Review status: criteria provided, single submitter. Criteria: ACMG Guidelines, 2015. Collection method: clinical testing. Allele origin: unknown.

Yale Center for Mendelian Genomics, Yale University
Classification: Likely pathogenic for Primary ciliary dyskinesia. Last evaluated: 2018-08-01. Review status: no assertion criteria provided. Collection method: literature only. Allele origin: germline. Affected: yes. Observed: 1 homozygote. Study: Yale Center for Mendelian Genomics. Not counted in ClinVar's aggregate classification.

Literature cited by the submitters: PubMed 21131972 (cited by Labcorp Genetics (formerly Invitae), Labcorp); PubMed 23255504 (cited by Labcorp Genetics (formerly Invitae), Labcorp); PubMed 30067075 (cited by Labcorp Genetics (formerly Invitae), Labcorp and Yale Center for Mendelian Genomics, Yale University).